The following is an entry in ClinVar:

ClinVar aggregate classification (germline): Pathogenic. Review status: criteria provided, multiple submitters, no conflicts (2 of 4 stars). 4 submissions from 4 submitters: Pathogenic (4). Last evaluated 2023-11-10.

Conditions:
Cardiomyopathy (CMYO). Also called: Cardiomyopathies. Identifiers: Orphanet 167848, MedGen C0878544, MONDO:0004994, HP:0001638. Inheritance: Various modes of inheritance.
Cardiovascular phenotype. Identifiers: MedGen CN230736.
Arrhythmogenic right ventricular dysplasia 9 (ARVD9). Also called: ARRHYTHMOGENIC RIGHT VENTRICULAR DYSPLASIA, FAMILIAL, 9; Arrhythmogenic Right Ventricular Dysplasia/Cardiomyopathy 9. Identifiers: MedGen C1836906, MONDO:0012180, OMIM 609040.

gnomAD v4.1: 3 of 1,613,046 alleles (0.00019%); highest among the groups gnomAD compares: Non-Finnish European, 0.00017%; no homozygotes.

Submissions (4):

Labcorp Genetics (formerly Invitae), Labcorp
Classification: Pathogenic for Arrhythmogenic right ventricular dysplasia 9. Last evaluated: 2023-11-10. Review status: criteria provided, single submitter. Criteria: Invitae Variant Classification Sherloc (09022015). Collection method: clinical testing. Allele origin: germline.
Comment: This sequence change creates a premature translational stop signal (p.Tyr194*) in the PKP2 gene. It is expected to result in an absent or disrupted protein product. Loss-of-function variants in PKP2 are known to be pathogenic (PMID: 15489853, 23911551). This variant is not present in population databases (gnomAD no frequency). This variant has not been reported in the literature in individuals affected with PKP2-related conditions. ClinVar contains an entry for this variant (Variation ID: 1699158). For these reasons, this variant has been classified as Pathogenic.

Ambry Genetics
Classification: Pathogenic for Cardiovascular phenotype. Last evaluated: 2023-09-22. Review status: criteria provided, single submitter. Criteria: Ambry Variant Classification Scheme 2023. Collection method: clinical testing. Allele origin: germline.
Comment: The p.Y194* pathogenic mutation (also known as c.582T>G), located in coding exon 3 of the PKP2 gene, results from a T to G substitution at nucleotide position 582. This changes the amino acid from a tyrosine to a stop codon within coding exon 3. This variant is considered to be rare based on population cohorts in the Genome Aggregation Database (gnomAD). This alteration is expected to result in loss of function by premature protein truncation or nonsense-mediated mRNA decay. As such, this alteration is interpreted as a disease-causing mutation.

Color Diagnostics, LLC DBA Color Health
Classification: Pathogenic for Cardiomyopathy. Last evaluated: 2023-01-03. Review status: criteria provided, single submitter. Criteria: ACMG Guidelines, 2015. Collection method: clinical testing. Allele origin: germline.
Comment: This variant changes 1 nucleotide in exon 3 of the PKP2 gene, creating a premature translation stop signal. This variant is expected to result in an absent or non-functional protein product. To our knowledge, this variant has not been reported in individuals affected with cardiovascular disorders in the literature. This variant has not been identified in the general population by the Genome Aggregation Database (gnomAD). Loss of PKP2 function is a known mechanism of disease. Based on the available evidence, this variant is classified as Pathogenic.

Victorian Clinical Genetics Services, Murdoch Childrens Research Institute
Classification: Pathogenic for Arrhythmogenic right ventricular dysplasia 9. Last evaluated: 2022-02-02. Review status: criteria provided, single submitter. Criteria: ACMG Guidelines, 2015. Collection method: clinical testing. Allele origin: germline. Inheritance: Autosomal dominant inheritance. Affected: yes.
Comment: Based on the classification scheme VCGS_Germline_v1.3.4, this variant is classified as Pathogenic. Following criteria are met: 0102 - Loss of function is a known mechanism of disease in this gene and is associated with arrhythmogenic right ventricular dysplasia 9 (ARVD9; MIM#609040). (I) 0107 - This gene is associated with autosomal dominant disease. (I) 0112 - The condition associated with this gene has incomplete penetrance (PMID: 17010805, 23183494). (I) 0115 - Variants in this gene are known to have variable expressivity (PMID: 17010805, 23183494). (I) 0201 - Variant is predicted to cause nonsense-mediated decay (NMD) and loss of protein (premature termination codon is located at least 54 nucleotides upstream of the final exon-exon junction). (SP) 0251 - This variant is heterozygous. (I) 0301 - Variant is absent from gnomAD (both v2 and v3). (SP) 0701 - Other NMD-predicted variants comparable to the one identified in this case have very strong previous evidence for pathogenicity (ClinVar). (SP) 0803 - This variant has limited previous evidence of pathogenicity in an unrelated individual. An alternate nucleotide substitution at the same position resulting in the same amino acid substitution has been reported once as pathogenic in an individual with arrhythmogenic right ventricular dysplasia (ClinVar). (SP) 0905 - No published segregation evidence has been identified for this variant. (I) 1007 - No published functional evidence has been identified for this variant. (I) 1208 - Inheritance information for this variant is not currently available in this individual. (I) Legend: (SP) - Supporting pathogenic, (I) - Information, (SB) - Supporting benign

Literature cited by the submitters: PubMed 15489853 (cited by Labcorp Genetics (formerly Invitae), Labcorp); PubMed 23911551 (cited by Labcorp Genetics (formerly Invitae), Labcorp); PubMed 17010805 (cited by Victorian Clinical Genetics Services, Murdoch Childrens Research Institute); PubMed 23183494 (cited by Victorian Clinical Genetics Services, Murdoch Childrens Research Institute).

NM_001005242.3(PKP2):c.582T>G (p.Tyr194Ter)

Gene: PKP2 (plakophilin 2; minus strand). Cytogenetic location: 12p11.21.
Variant type: single nucleotide variant.
Coding change: c.582T>G on transcript NM_001005242.3 (MANE Select); coding-DNA position 582, T replaced by G.
Protein change: p.Tyr194Ter; replaces tyrosine 194 with a stop codon.
Molecular consequence: nonsense.
Genome position (GRCh38, 1-based): chr12:32,878,298, A>C on the plus strand (T>G on the coding strand, the complement: PKP2 is on the minus strand). VCF-style: chr12-32878298-A-C. GRCh37 (hg19) VCF-style: chr12-33031232-A-C.
Other names: c.582T>G, p.Tyr194Ter (NM_004572.4); short protein forms Y194*.
Identifiers: ClinVar variation 1699158 (VCV001699158.8), dbSNP rs532048791, ClinGen allele CA384364253.
Genomic context (GRCh38, chr12:32,878,298, plus strand): 5'-AAAGTGGCGCTGCCTGCTTGTGGTGCCAGCACGGCTGACCCCCACGATCTCGGAACGAGC[A>C]TATCTCGGTGGCACTAGGAGGGCGGCCCGCCTGCTTTCTTGGTGGTGCAGGGTGTGCCCA-3'